The following is an entry in ClinVar:

ClinVar aggregate classification (germline): Pathogenic (1 of 4 stars; one submission).

Conditions:
Familial adenomatous polyposis 1 (FAP1). Also called: FAMILIAL ADENOMATOUS POLYPOSIS 1, ATTENUATED; POLYPOSIS, ADENOMATOUS INTESTINAL. Identifiers: MedGen C2713442, MONDO:0021056, OMIM 175100. Disease mechanism: loss of function.

Submission:

Labcorp Genetics (formerly Invitae), Labcorp
Classification: Pathogenic for Familial adenomatous polyposis 1. Last evaluated: 2019-08-01. Review status: criteria provided, single submitter. Criteria: Invitae Variant Classification Sherloc (09022015). Collection method: clinical testing. Allele origin: germline.
Comment: This variant is expected to disrupt the EB1 and HDLG binding sites, which mediate interactions with the cytoskeleton (PMID: 15311282, 17293347). While functional studies have not been performed to directly test the effect on APC protein function, this suggests that disruption of the C-terminal portion of the protein is functionally important. For these reasons, this variant has been classified as Pathogenic. A different truncation (p.Tyr2645Lysfs*14) that lies downstream of this variant has been determined to be pathogenic (PMID: 9824584, 1316610, 27081525, 8381579, 22135120, Invitae). This suggests that deletion of this region of the APC protein is causative of disease." This variant is not present in population databases (ExAC no frequency). This sequence change results in a premature translational stop signal in the APC gene (p.Leu726*). While this is not anticipated to result in nonsense mediated decay, it is expected to disrupt the last 2118 amino acids of the APC protein. This variant has not been reported in the literature in individuals with APC-related conditions.

Literature cited by the submitters: PubMed 15311282; PubMed 17293347; PubMed 9824584; PubMed 1316610; PubMed 27081525; PubMed 8381579; PubMed 22135120.

NM_000038.6(APC):c.2177del (p.Ala725_Leu726insTer)

Gene: APC (APC regulator of Wnt signaling pathway; plus strand). Cytogenetic location: 5q22.2.
Variant type: Deletion.
Coding change: c.2177del on transcript NM_000038.6 (MANE Select); coding-DNA position 2177, one base deleted (T; older notation c.2177delT).
Protein change: p.Ala725_Leu726insTer.
Molecular consequence: nonsense.
Genome position (GRCh38, 1-based): chr5:112,837,771, T deleted; the last of 3 consecutive T bases (chr5:112,837,769-112,837,771); deleting any one gives the same sequence. VCF-style (leftmost placement, unchanged base first): chr5-112837768-CT-C. GRCh37 (hg19) VCF-style: chr5-112173465-CT-C.
Other names: c.2177del, p.Ala725_Leu726insTer (NM_001127510.3, NM_001354895.2); c.2123del, p.Ala707_Leu708insTer (NM_001127511.3); c.2231del, p.Ala743_Leu744insTer (NM_001354896.2); c.2207del, p.Ala735_Leu736insTer (NM_001354897.2); c.2102del, p.Ala700_Leu701insTer (NM_001354898.2); c.2093del, p.Ala697_Leu698insTer (NM_001354899.2); c.2054del, p.Ala684_Leu685insTer (NM_001354900.2); c.2000del, p.Ala666_Leu667insTer (NM_001354901.2); and 5 more.
Identifiers: ClinVar variation 962012 (VCV000962012.11), dbSNP rs1765118491, ClinGen allele CA645562831.